The following is an entry in ClinVar:

ClinVar aggregate classification (germline): Uncertain significance (1 of 4 stars; one submission).

Conditions:
Hereditary nonpolyposis colorectal neoplasms. Identifiers: MedGen C0009405, MeSH D003123.

Submission:

Labcorp Genetics (formerly Invitae), Labcorp
Classification: Uncertain significance for Hereditary nonpolyposis colorectal neoplasms. Last evaluated: 2022-02-04. Review status: criteria provided, single submitter. Criteria: Invitae Variant Classification Sherloc (09022015). Collection method: clinical testing. Allele origin: germline.
Comment: In summary, the available evidence is currently insufficient to determine the role of this variant in disease. Therefore, it has been classified as a Variant of Uncertain Significance. Advanced modeling of protein sequence and biophysical properties (such as structural, functional, and spatial information, amino acid conservation, physicochemical variation, residue mobility, and thermodynamic stability) performed at Invitae indicates that this missense variant is not expected to disrupt PMS2 protein function. This variant has not been reported in the literature in individuals affected with PMS2-related conditions. The frequency data for this variant in the population databases (gnomAD) is considered unreliable due to the presence of homologous sequence, such as pseudogenes or paralogs, in the genome. This sequence change replaces threonine, which is neutral and polar, with proline, which is neutral and non-polar, at codon 772 of the PMS2 protein (p.Thr772Pro).

NM_000535.7(PMS2):c.2314A>C (p.Thr772Pro)

Gene: PMS2 (PMS1 homolog 2, mismatch repair system component; minus strand). Cytogenetic location: 7p22.1.
Variant type: single nucleotide variant.
Coding change: c.2314A>C on transcript NM_000535.7 (MANE Select); coding-DNA position 2314, A replaced by C.
Protein change: p.Thr772Pro; replaces threonine 772 with proline.
Molecular consequence: missense variant.
Genome position (GRCh38, 1-based): chr7:5,977,719, T>G on the plus strand (A>C on the coding strand, the complement: PMS2 is on the minus strand). VCF-style: chr7-5977719-T-G. GRCh37 (hg19) VCF-style: chr7-6017350-T-G.
Other names: c.1909A>C, p.Thr637Pro (NM_001018040.1, NM_001322003.2, NM_001322004.2 and 12 more transcripts); c.2158A>C, p.Thr720Pro (NM_001322006.2); c.1996A>C, p.Thr666Pro (NM_001322007.2, NM_001322008.2, NM_001406883.1); c.1942A>C, p.Thr648Pro (NM_001322009.2, NM_001406887.1, NM_001406888.1); c.1753A>C, p.Thr585Pro (NM_001322010.2, NM_001406906.1, NM_001406907.1); c.1381A>C, p.Thr461Pro (NM_001322011.2, NM_001322012.2); c.1741A>C, p.Thr581Pro (NM_001322013.2, NM_001406908.1, NM_001406909.1); c.2347A>C, p.Thr783Pro (NM_001322014.2); and 18 more; short protein forms T461P, T515P, T617P, T666P, T669P, T716P, T736P, T772P.
Identifiers: ClinVar variation 1896027 (VCV001896027.5), dbSNP rs2128675160, ClinGen allele CA366736036.